The following is an entry in ClinVar:

NM_013254.4(TBK1):c.1691A>G (p.Tyr564Cys)

Gene: TBK1 (TANK binding kinase 1; plus strand). Cytogenetic location: 12q14.2.
Variant type: single nucleotide variant.
Coding change: c.1691A>G on transcript NM_013254.4 (MANE Select); coding-DNA position 1691, A replaced by G.
Protein change: p.Tyr564Cys; replaces tyrosine 564 with cysteine.
Molecular consequence: missense variant.
Genome position (GRCh38, 1-based): chr12:64,495,746, A>G. VCF-style: chr12-64495746-A-G. GRCh37 (hg19) VCF-style: chr12-64889526-A-G.
Other names: short protein forms Y564C.
Identifiers: ClinVar variation 1049706 (VCV001049706.4), dbSNP rs776059942, ClinGen allele CA6669130.

ClinVar aggregate classification (germline): Uncertain significance. Review status: criteria provided, single submitter (1 of 4 stars). 2 submissions from 2 submitters: Uncertain significance (1). 1 of the submissions does not count toward it. Last evaluated 2024-05-26.

Conditions:
Frontotemporal dementia and/or amyotrophic lateral sclerosis 4. Also called: FTDALS4. Identifiers: Orphanet 275872, MedGen C4225325, MONDO:0014641, OMIM 616439.

Allele frequency attached by ClinVar (database versions not stated): gnomAD 0.00001; ExAC 0.00006.
gnomAD v4.1: 24 of 1,601,276 alleles (0.0015%); highest among the groups gnomAD compares: South Asian, 0.024%; 1 homozygote.

Submissions (2):

Labcorp Genetics (formerly Invitae), Labcorp
Classification: Uncertain significance for Frontotemporal dementia and/or amyotrophic lateral sclerosis 4. Last evaluated: 2024-05-26. Review status: criteria provided, single submitter. Criteria: Invitae Variant Classification Sherloc (09022015). Collection method: clinical testing. Allele origin: germline.
Comment: This sequence change replaces tyrosine, which is neutral and polar, with cysteine, which is neutral and slightly polar, at codon 564 of the TBK1 protein (p.Tyr564Cys). This variant is present in population databases (rs776059942, gnomAD 0.02%). This variant has not been reported in the literature in individuals affected with TBK1-related conditions. ClinVar contains an entry for this variant (Variation ID: 1049706). Advanced modeling of protein sequence and biophysical properties (such as structural, functional, and spatial information, amino acid conservation, physicochemical variation, residue mobility, and thermodynamic stability) performed at Invitae indicates that this missense variant is not expected to disrupt TBK1 protein function with a negative predictive value of 95%. In summary, the available evidence is currently insufficient to determine the role of this variant in disease. Therefore, it has been classified as a Variant of Uncertain Significance.

Department of Pathology and Laboratory Medicine, Sinai Health System
Classification: Uncertain significance. Review status: no assertion criteria provided. Collection method: clinical testing. Allele origin: unknown. Affected: yes. Study: The Canadian Open Genetics Repository (COGR). Not counted in ClinVar's aggregate classification.
Comment: The TBK1 p.Tyr564Cys variant was not identified in the literature nor was it identified in ClinVar or LOVD 3.0. The variant was identified in dbSNP (ID: rs776059942) and in control databases in 6 of 232812 chromosomes (1 homozygous) at a frequency of 0.00002577 (Genome Aggregation Database March 6, 2019, v2.1.1). The variant was observed in the South Asian population in 6 of 28112 chromosomes (freq: 0.000213), but was not observed in the African, Latino, Ashkenazi Jewish, East Asian, European (Finnish), European (non-Finnish) or Other populations. The p.Tyr564 residue is not conserved in mammals and computational analyses (PolyPhen-2, SIFT, AlignGVGD, BLOSUM, MutationTaster) provide inconsistent predictions regarding the impact to the protein; this information is not very predictive of pathogenicity. The variant occurs outside of the splicing consensus sequence and in silico or computational prediction software programs (SpliceSiteFinder, MaxEntScan, NNSPLICE, GeneSplicer) do not predict a difference in splicing. In summary, based on the above information the clinical significance of this variant cannot be determined with certainty at this time. This variant is classified as a variant of uncertain significance.